The following is an entry in ClinVar:

ClinVar aggregate classification (germline): Uncertain significance (1 of 4 stars; one submission).

Conditions:
Spastic paraplegia. Identifiers: MedGen C0037772, HP:0001258.

Submission:

Labcorp Genetics (formerly Invitae), Labcorp
Classification: Uncertain significance for Spastic paraplegia. Last evaluated: 2023-10-18. Review status: criteria provided, single submitter. Criteria: Invitae Variant Classification Sherloc (09022015). Collection method: clinical testing. Allele origin: germline.
Comment: This sequence change replaces methionine, which is neutral and non-polar, with isoleucine, which is neutral and non-polar, at codon 40 of the HSPD1 protein (p.Met40Ile). This variant is not present in population databases (gnomAD no frequency). This variant has not been reported in the literature in individuals affected with HSPD1-related conditions. Advanced modeling of protein sequence and biophysical properties (such as structural, functional, and spatial information, amino acid conservation, physicochemical variation, residue mobility, and thermodynamic stability) performed at Invitae indicates that this missense variant is not expected to disrupt HSPD1 protein function. In summary, the available evidence is currently insufficient to determine the role of this variant in disease. Therefore, it has been classified as a Variant of Uncertain Significance.

NM_002156.5(HSPD1):c.120G>C (p.Met40Ile)

Gene: HSPD1 (heat shock protein family D (Hsp60) member 1; minus strand). Cytogenetic location: 2q33.1.
Variant type: single nucleotide variant.
Coding change: c.120G>C on transcript NM_002156.5 (MANE Select); coding-DNA position 120, G replaced by C.
Protein change: p.Met40Ile; replaces methionine 40 with isoleucine.
Molecular consequence: missense variant.
Genome position (GRCh38, 1-based): chr2:197,498,729, C>G on the plus strand (G>C on the coding strand, the complement: HSPD1 is on the minus strand). VCF-style: chr2-197498729-C-G. GRCh37 (hg19) VCF-style: chr2-198363453-C-G.
Other names: c.120G>C, p.Met40Ile (NM_199440.2); short protein forms M40I.
Identifiers: ClinVar variation 2769773 (VCV002769773.3), dbSNP rs2470125749, ClinGen allele CA350204154.
Genomic context (GRCh38, chr2:197,498,729, plus strand): 5'-TGGTACCTTTGGCCCCATTGTAACGGCCACAGCATCGGCTAAAAGGTCTACACCTTGAAG[C>G]ATTAAGGCTCGGGCATCTGCACCAAATTTTACATCTTTGGCATAAGCCCGAGTGAGATGA-3'
Protein context (NP_002147.2, residues 30-50): VKFGADARAL[Met40Ile]LQGVDLLADA